The following is an entry in ClinVar:

ClinVar aggregate classification (germline): Pathogenic. Review status: criteria provided, multiple submitters, no conflicts (2 of 4 stars). 2 submissions from 2 submitters: Pathogenic (2). Last evaluated 2024-06-07.

Conditions:
Mucopolysaccharidosis, MPS-II (MPS2). Also called: Attenuated MPS (subtype; formerly known as mild MPS II); Severe MPS II; I2S deficiency; MPS 2; Hunter Syndrome; IDURONATE 2-SULFATASE DEFICIENCY. Identifiers: Orphanet 580, Orphanet 79388, MedGen C0026705, MONDO:0010674, OMIM 309900.

Submissions (2):

Laboratory of Diagnosis and Therapy of Lysosomal Disorders, University of Padova
Classification: Pathogenic for Mucopolysaccharidosis, MPS-II. Last evaluated: 2024-06-07. Review status: criteria provided, single submitter. Criteria: ACMG Guidelines, 2015. Collection method: literature only. Allele origin: germline. Affected: yes. Observed: 3 variant alleles.
Comment: Null variant (PVS1_VeryStrong), Absent from controls (or at low frequency) in gnomAD database (PM2_Moderate), Patient’s phenotype or family history highly specific for the disease (PP4_Moderate)

Classification method: ACMG Guidelines [PMID:25741868] with modifications

Eurofins Ntd Llc (ga)
Classification: Pathogenic. Last evaluated: 2017-06-22. Review status: criteria provided, single submitter. Criteria: EGL Classification Definitions 2015. Collection method: clinical testing. Allele origin: germline. Observed: 1 variant allele, 1 hemizygote.

Literature cited by the submitters: PubMed 9875019 (cited by Laboratory of Diagnosis and Therapy of Lysosomal Disorders, University of Padova and Eurofins Ntd Llc (ga)); PubMed 34670126 (cited by Laboratory of Diagnosis and Therapy of Lysosomal Disorders, University of Padova).

NM_000202.8(IDS):c.252C>A (p.Cys84Ter)

Gene: IDS (iduronate 2-sulfatase; minus strand). Cytogenetic location: Xq28.
Variant type: single nucleotide variant.
Coding change: c.252C>A on transcript NM_000202.8 (MANE Select); coding-DNA position 252, C replaced by A.
Protein change: p.Cys84Ter; replaces cysteine 84 with a stop codon.
Molecular consequence: nonsense. On other transcripts: non-coding transcript variant (1), intron variant (1).
Genome position (GRCh38, 1-based): chrX:149,503,478, G>T on the plus strand (C>A on the coding strand, the complement: IDS is on the minus strand). VCF-style: chrX-149503478-G-T. GRCh37 (hg19) VCF-style: chrX-148585008-G-T.
Other names: c.252C>A, p.Cys84Ter (NM_006123.5); c.15-33C>A (NM_001166550.4); short protein forms C84*.
Identifiers: ClinVar variation 502523 (VCV000502523.6), dbSNP rs1557340286, ClinGen allele CA414526935.